The following is an entry in ClinVar:

NM_015459.5(ATL3):c.1427T>G (p.Met476Arg)

Genes: ATL3 (atlastin GTPase 3; minus strand), LNCROPM (lncRNA regulator of PLAAT3 mediated phospholipid metabolism; plus strand). Cytogenetic location: 11q13.1.
Variant type: single nucleotide variant.
Coding change: c.1427T>G on transcript NM_015459.5 (MANE Select); coding-DNA position 1427, T replaced by G.
Protein change: p.Met476Arg; replaces methionine 476 with arginine.
Molecular consequence: missense variant.
Genome position (GRCh38, 1-based): chr11:63,631,152, A>C on the plus strand (T>G on the coding strand, the complement: ATL3 is on the minus strand). VCF-style: chr11-63631152-A-C. GRCh37 (hg19) VCF-style: chr11-63398624-A-C.
Other names: c.1373T>G, p.Met458Arg (NM_001290048.2); short protein forms M458R, M476R.
Identifiers: ClinVar variation 1977027 (VCV001977027.5), dbSNP rs2495620696, ClinGen allele CA381024967.
Genomic context (GRCh38, chr11:63,631,152, plus strand): 5'-TATTGACCAGAATACCTGATGTAGCCCCAGGTGAGGAGTGCTATTAACAGTAGTCCAACC[A>C]TACAGTTGAACAACTGGGCTACAACCTCAAGACCTATGAAGCCAGTGAGGCCTGAGGCTA-3'
Protein context (NP_056274.3, residues 466-486): LEVVAQLFNC[Met476Arg]VGLLLIALLT

ClinVar aggregate classification (germline): Uncertain significance (1 of 4 stars; one submission).

Conditions:
Neuropathy, hereditary sensory, type 1F. Also called: HSN IF; Hereditary sensory neuropathy type IF. Identifiers: Orphanet 36386, MedGen C3810194, MONDO:0014286, OMIM 615632.

Submission:

Labcorp Genetics (formerly Invitae), Labcorp
Classification: Uncertain significance for Neuropathy, hereditary sensory, type 1F. Last evaluated: 2022-01-03. Review status: criteria provided, single submitter. Criteria: Invitae Variant Classification Sherloc (09022015). Collection method: clinical testing. Allele origin: germline.
Comment: This variant is not present in population databases (gnomAD no frequency). This variant has not been reported in the literature in individuals affected with ATL3-related conditions. Algorithms developed to predict the effect of missense changes on protein structure and function are either unavailable or do not agree on the potential impact of this missense change (SIFT: "Deleterious"; PolyPhen-2: "Benign"; Align-GVGD: "Class C0"). Algorithms developed to predict the effect of sequence changes on RNA splicing suggest that this variant may create or strengthen a splice site. In summary, the available evidence is currently insufficient to determine the role of this variant in disease. Therefore, it has been classified as a Variant of Uncertain Significance. This sequence change replaces methionine, which is neutral and non-polar, with arginine, which is basic and polar, at codon 476 of the ATL3 protein (p.Met476Arg).